The following is an entry in ClinVar:

ClinVar aggregate classification (germline): Likely pathogenic (1 of 4 stars; one submission).

Conditions:
Inborn genetic diseases. Identifiers: MedGen C0950123, MeSH D030342.

Submission:

Ambry Genetics
Classification: Likely pathogenic for Inborn genetic diseases. Last evaluated: 2025-12-23. Review status: criteria provided, single submitter. Criteria: Ambry Variant Classification Scheme 2023. Collection method: clinical testing. Allele origin: germline.
Comment: The c.133C>T (p.Q45*) alteration, located in exon 1 (coding exon 1) of the NKX2-1 gene, consists of a C to T substitution at nucleotide position 133. This changes the amino acid from a glutamine (Q) to a stop codon at amino acid position 45. The predicted stop codon occurs in the 5' end of the NKX2-1 gene. Premature termination codons in the 5&rsquo; end of a gene have been reported to escape nonsense-mediated mRNA decay and/or lead to re-initiation (Rivas, 2015; Lindeboom, 2016; Rhee, 2017). Direct evidence for this alteration is unavailable; however, premature termination codons are typically deleterious in nature. This variant was not reported in population-based cohorts in the Genome Aggregation Database (gnomAD). Based on the available evidence, this alteration is classified as likely pathogenic.

NM_001079668.3(NKX2-1):c.223C>T (p.Gln75Ter)

Genes: NKX2-1 (NK2 homeobox 1; minus strand), SFTA3 (surfactant associated 3; minus strand). Cytogenetic location: 14q13.3.
Variant type: single nucleotide variant.
Coding change: c.223C>T on transcript NM_001079668.3 (MANE Select); coding-DNA position 223, C replaced by T.
Protein change: p.Gln75Ter; replaces glutamine 75 with a stop codon.
Molecular consequence: nonsense.
Genome position (GRCh38, 1-based): chr14:36,519,225, G>A on the plus strand (C>T on the coding strand, the complement: NKX2-1 is on the minus strand). VCF-style: chr14-36519225-G-A. GRCh37 (hg19) VCF-style: chr14-36988430-G-A.
Other names: c.133C>T, p.Gln45Ter (NM_003317.4); short protein forms Q45*, Q75*.
Identifiers: ClinVar variation 4832973 (VCV004832973.1).